The following is an entry in ClinVar:

NM_001848.3(COL6A1):c.261C>T (p.Asn87=)

Gene: COL6A1 (collagen type VI alpha 1 chain; plus strand). Cytogenetic location: 21q22.3.
Variant type: single nucleotide variant.
Coding change: c.261C>T on transcript NM_001848.3 (MANE Select); coding-DNA position 261, C replaced by T.
Protein change: p.Asn87=; no amino-acid change (asparagine 87 retained).
Molecular consequence: synonymous variant.
Genome position (GRCh38, 1-based): chr21:45,984,302, C>T. VCF-style: chr21-45984302-C-T. GRCh37 (hg19) VCF-style: chr21-47404216-C-T.
Identifiers: ClinVar variation 286001 (VCV000286001.18), dbSNP rs770671793, ClinGen allele CA10069510.

ClinVar aggregate classification (germline): Conflicting classifications of pathogenicity. Review status: criteria provided, conflicting classifications (1 of 4 stars). 3 submissions from 3 submitters: Uncertain significance (1); Benign (1); Likely benign (1). Last evaluated 2025-01-12.

Conditions:
Collagen 6-related myopathy. Identifiers: MedGen CN117976, MONDO:0100225.
Bethlem myopathy 1A. Also called: Bethlem Muscular Dystrophy; MYOPATHY, BENIGN CONGENITAL, WITH CONTRACTURES; Bethlem myopathy 1. Identifiers: Orphanet 610, MedGen CN029274, MONDO:0024530, OMIM 158810.

Allele frequency attached by ClinVar (database versions not stated): TOPMed 0.00003; gnomAD 0.00005 and 0.00006; gnomAD exomes 0.00007 and 0.00008; ExAC 0.00010.
gnomAD v4.1: 125 of 1,610,852 alleles (0.0078%); highest among the groups gnomAD compares: Non-Finnish European, 0.0098%; no homozygotes.

Submissions (3):

Labcorp Genetics (formerly Invitae), Labcorp
Classification: Likely benign for Bethlem myopathy 1A. Last evaluated: 2025-01-12. Review status: criteria provided, single submitter. Criteria: Invitae Variant Classification Sherloc (09022015). Collection method: clinical testing. Allele origin: germline.

Illumina Laboratory Services, Illumina
Classification: Benign for Collagen VI-related myopathy. Last evaluated: 2018-01-13. Review status: criteria provided, single submitter. Criteria: ICSL Variant Classification Criteria 13 December 2019. Collection method: clinical testing. Allele origin: germline.
Comment: This variant was observed in the ICSL laboratory as part of a predisposition screen in an ostensibly healthy population. It had not been previously curated by ICSL or reported in the Human Gene Mutation Database (HGMD: prior to June 1st, 2018), and was therefore a candidate for classification through an automated scoring system. Utilizing variant allele frequency, disease prevalence and penetrance estimates, and inheritance mode, an automated score was calculated to assess if this variant is too frequent to cause the disease. Based on the score and internal cut-off values, a variant classified as benign is not then subjected to further curation. The score for this variant resulted in a classification of benign for this disease.

Eurofins Ntd Llc (ga)
Classification: Uncertain significance. Last evaluated: 2016-02-16. Review status: criteria provided, single submitter. Criteria: EGL Classification Definitions 2015. Collection method: clinical testing. Allele origin: germline. Observed: 1 variant allele, 1 heterozygote.